The following is an entry in ClinVar:

NM_001161352.2(KCNMA1):c.720G>C (p.Leu240Phe)

Gene: KCNMA1 (potassium calcium-activated channel subfamily M alpha 1; minus strand). Cytogenetic location: 10q22.3.
Variant type: single nucleotide variant.
Coding change: c.720G>C on transcript NM_001161352.2 (MANE Select); coding-DNA position 720, G replaced by C.
Protein change: p.Leu240Phe; replaces leucine 240 with phenylalanine.
Molecular consequence: missense variant.
Genome position (GRCh38, 1-based): chr10:77,183,509, C>G on the plus strand (G>C on the coding strand, the complement: KCNMA1 is on the minus strand). VCF-style: chr10-77183509-C-G. GRCh37 (hg19) VCF-style: chr10-78943267-C-G.
Other names: c.720G>C, p.Leu240Phe (NM_001014797.3, NM_001161353.2, NM_001271519.2 and 9 more transcripts); c.558G>C, p.Leu186Phe (NM_001271518.2); c.180G>C, p.Leu60Phe (NM_001322838.2); c.852G>C, p.Leu284Phe (NM_001437422.1); short protein forms L284F, L60F, L186F, L240F.
Identifiers: ClinVar variation 4741969 (VCV004741969.1).

ClinVar aggregate classification (germline): Uncertain significance (1 of 4 stars; one submission).

Conditions:
Generalized epilepsy-paroxysmal dyskinesia syndrome (PNKD3). Also called: Generalized epilepsy and paroxysmal dyskinesia; Paroxysmal nonkinesigenic dyskinesia, 3, with or without generalized epilepsy. Identifiers: Orphanet 79137, MedGen C5574945, MONDO:0012276, OMIM 609446.

Submission:

Labcorp Genetics (formerly Invitae), Labcorp
Classification: Uncertain significance for Generalized epilepsy-paroxysmal dyskinesia syndrome. Last evaluated: 2025-06-16. Review status: criteria provided, single submitter. Criteria: Invitae Variant Classification Sherloc (09022015). Collection method: clinical testing. Allele origin: germline.
Comment: This sequence change replaces leucine, which is neutral and non-polar, with phenylalanine, which is neutral and non-polar, at codon 240 of the KCNMA1 protein (p.Leu240Phe). This variant is not present in population databases (gnomAD no frequency). This variant has not been reported in the literature in individuals affected with KCNMA1-related conditions. Invitae Evidence Modeling of protein sequence and biophysical properties (such as structural, functional, and spatial information, amino acid conservation, physicochemical variation, residue mobility, and thermodynamic stability) indicates that this missense variant is not expected to disrupt KCNMA1 protein function with a negative predictive value of 80%. In summary, the available evidence is currently insufficient to determine the role of this variant in disease. Therefore, it has been classified as a Variant of Uncertain Significance.